The following is an entry in ClinVar:

ClinVar aggregate classification (germline): Uncertain significance. Review status: criteria provided, multiple submitters, no conflicts (2 of 4 stars). 2 submissions from 2 submitters: Uncertain significance (2). Last evaluated 2024-08-01.

Conditions:
Brugada syndrome. Also called: Sudden unexplained nocturnal death syndrome; Sudden unexpected nocturnal death syndrome; Sudden Unexplained Death Syndrome; Sudden Unexplained Nocturnal Death Syndrome (SUNDS). Identifiers: Orphanet 130, MedGen C1142166, MONDO:0015263.

Allele frequency attached by ClinVar (database versions not stated): gnomAD exomes below 0.00001; ExAC 0.00001.
gnomAD v4.1: 1 of 1,611,910 alleles (0.000062%); highest among the groups gnomAD compares: Non-Finnish European, 0.000085%; no homozygotes.

Submissions (2):

CeGaT Center for Human Genetics Tuebingen
Classification: Uncertain significance. Last evaluated: 2024-08-01. Review status: criteria provided, single submitter. Criteria: CeGaT Center For Human Genetics Tuebingen Variant Classification Criteria Version 2. Collection method: clinical testing. Allele origin: germline. Affected: yes. Observed: 1 variant allele.
Comment: SCN10A: PM2

Labcorp Genetics (formerly Invitae), Labcorp
Classification: Uncertain significance for Brugada syndrome. Last evaluated: 2022-07-15. Review status: criteria provided, single submitter. Criteria: Invitae Variant Classification Sherloc (09022015). Collection method: clinical testing. Allele origin: germline.
Comment: This variant has not been reported in the literature in individuals affected with SCN10A-related conditions. In summary, the available evidence is currently insufficient to determine the role of this variant in disease. Therefore, it has been classified as a Variant of Uncertain Significance. Advanced modeling of protein sequence and biophysical properties (such as structural, functional, and spatial information, amino acid conservation, physicochemical variation, residue mobility, and thermodynamic stability) performed at Invitae indicates that this missense variant is expected to disrupt SCN10A protein function. ClinVar contains an entry for this variant (Variation ID: 957783). This variant is present in population databases (rs747984594, gnomAD 0.0009%). This sequence change replaces valine, which is neutral and non-polar, with isoleucine, which is neutral and non-polar, at codon 860 of the SCN10A protein (p.Val860Ile).

NM_006514.4(SCN10A):c.2578G>A (p.Val860Ile)

Gene: SCN10A (sodium voltage-gated channel alpha subunit 10; minus strand). Cytogenetic location: 3p22.2.
Variant type: single nucleotide variant.
Coding change: c.2578G>A on transcript NM_006514.4 (MANE Select); coding-DNA position 2578, G replaced by A.
Protein change: p.Val860Ile; replaces valine 860 with isoleucine.
Molecular consequence: missense variant.
Genome position (GRCh38, 1-based): chr3:38,728,604, C>T on the plus strand (G>A on the coding strand, the complement: SCN10A is on the minus strand). VCF-style: chr3-38728604-C-T. GRCh37 (hg19) VCF-style: chr3-38770095-C-T.
Other names: c.2578G>A, p.Val860Ile (NM_001293306.2); c.2284G>A, p.Val762Ile (NM_001293307.2); short protein forms V762I, V860I.
Identifiers: ClinVar variation 957783 (VCV000957783.21), dbSNP rs747984594, ClinGen allele CA2320508.
Genomic context (GRCh38, chr3:38,728,604, plus strand): 5'-CCAGGTTCCCTAGCACCATCACCGTCAAGAAAAGGATGAGGCATATGGATTTTTGGCCAA[C>T]TTCCATGCAGGCCCACATGTTCTCAATCCACTCTCCACAGAGGATACGGAAGACAATGAG-3'
Protein context (NP_006505.4, residues 850-870): WIENMWACME[Val860Ile]GQKSICLILF